The following is an entry in ClinVar:

ClinVar aggregate classification (germline): Pathogenic (1 of 4 stars; one submission).

Conditions:
Developmental delay with variable intellectual impairment and behavioral abnormalities. Identifiers: MedGen C5193092, MONDO:0032745, OMIM 618430.

Submission:

New York Genome Center
Classification: Pathogenic for Developmental delay with variable intellectual impairment and behavioral abnormalities. Last evaluated: 2021-03-05. Review status: criteria provided, single submitter. Criteria: NYGC Assertion Criteria 2020. Collection method: clinical testing. Allele origin: de novo. Observed: 1 heterozygote. Study: CSER-NYCKidSeq.
Comment: The de novo heterozygous stop-gained c.565C>T (p.Gln189Ter) variant is located in exon 2 (of 6) of the TCF20 gene. This variant creates a premature translation termination codon and is predicted to cause loss of normal protein function either through protein truncation or nonsense-mediated mRNA decay. The variant is absent from the gnomAD(v3) database suggesting it is not a common benign variant in the populations represented in that database. Based on the available evidence, the de novo heterozygous stop-gained c.565C>T (p.Gln189Ter) variant identified in TCF20 is reported as Pathogenic.

NM_001378418.1(TCF20):c.565C>T (p.Gln189Ter)

Gene: TCF20 (transcription factor 20; minus strand). Cytogenetic location: 22q13.2.
Variant type: single nucleotide variant.
Coding change: c.565C>T on transcript NM_001378418.1 (MANE Select); coding-DNA position 565, C replaced by T.
Protein change: p.Gln189Ter; replaces glutamine 189 with a stop codon.
Molecular consequence: nonsense.
Genome position (GRCh38, 1-based): chr22:42,214,741, G>A on the plus strand (C>T on the coding strand, the complement: TCF20 is on the minus strand). VCF-style: chr22-42214741-G-A. GRCh37 (hg19) VCF-style: chr22-42610747-G-A.
Other names: c.565C>T, p.Gln189Ter (NM_005650.4, NM_181492.3); short protein forms Q189*.
Identifiers: ClinVar variation 1342405 (VCV001342405.1), dbSNP rs2147221870, ClinGen allele CA411792714.